The following is an entry in ClinVar:

NM_001943.5(DSG2):c.2976A>G (p.Ile992Met)

Genes: DSG2 (desmoglein 2; plus strand), DSG2-AS1 (DSG2 antisense RNA 1; minus strand). Cytogenetic location: 18q12.1.
Variant type: single nucleotide variant.
Coding change: c.2976A>G on transcript NM_001943.5 (MANE Select); coding-DNA position 2976, A replaced by G.
Protein change: p.Ile992Met; replaces isoleucine 992 with methionine.
Molecular consequence: missense variant.
Genome position (GRCh38, 1-based): chr18:31,546,362, A>G. VCF-style: chr18-31546362-A-G. GRCh37 (hg19) VCF-style: chr18-29126325-A-G.
Other names: short protein forms I992M.
Identifiers: ClinVar variation 928368 (VCV000928368.6), dbSNP rs776686758, ClinGen allele CA047633.

ClinVar aggregate classification (germline): Uncertain significance. Review status: criteria provided, multiple submitters, no conflicts (2 of 4 stars). 2 submissions from 2 submitters: Uncertain significance (2). Last evaluated 2023-12-05.

Conditions:
Arrhythmogenic right ventricular dysplasia 10. Also called: ARRHYTHMOGENIC RIGHT VENTRICULAR DYSPLASIA, FAMILIAL, 10; Arrhythmogenic Right Ventricular Dysplasia/Cardiomyopathy10; Arrhythmogenic right ventricular dysplasia/cardiomyopathy, type 10. Identifiers: MedGen C1857777, MONDO:0012434, OMIM 610193.
Dilated cardiomyopathy 1BB (CMD1BB). Also called: CARDIOMYOPATHY, DILATED, 1BB, SUSCEPTIBILITY TO. Identifiers: Orphanet 154, MedGen C2752072, MONDO:0013030, OMIM 612877.
Cardiomyopathy (CMYO). Also called: Cardiomyopathies. Identifiers: Orphanet 167848, MedGen C0878544, MONDO:0004994, HP:0001638. Inheritance: Various modes of inheritance.

Allele frequency attached by ClinVar (database versions not stated): gnomAD exomes below 0.00001; ExAC 0.00001.
gnomAD v4.1: 2 of 1,613,892 alleles (0.00012%); highest among the groups gnomAD compares: Non-Finnish European, 0.000085%; no homozygotes.

Submissions (2):

Color Diagnostics, LLC DBA Color Health
Classification: Uncertain significance for Cardiomyopathy. Last evaluated: 2023-12-05. Review status: criteria provided, single submitter. Criteria: ACMG Guidelines, 2015. Collection method: clinical testing. Allele origin: germline.
Comment: Variant of Uncertain Significance due to insufficient evidence: This missense variant is located in the cytoplasmic desmoglein repeat 4 of the DSG2 protein. Computational prediction tools and conservation analyses suggest that this variant may not impact the protein function. Computational splicing tools suggest that this variant may not impact RNA splicing. To our knowledge, functional assays have not been performed for this variant nor has this variant been reported in individuals affected with cardiovascular disorders in the literature. This variant has been identified in 1/245742 chromosomes in the general population by the Genome Aggregation Database (gnomAD). Available evidence is insufficient to determine the role of this variant in disease conclusively.

Fulgent Genetics
Classification: Uncertain significance for Arrhythmogenic right ventricular dysplasia 10; Dilated cardiomyopathy 1BB. Last evaluated: 2022-02-11. Review status: criteria provided, single submitter. Criteria: ACMG Guidelines, 2015. Collection method: clinical testing. Allele origin: unknown.